The following is an entry in ClinVar:

ClinVar aggregate classification (germline): Uncertain significance (1 of 4 stars; one submission).

Conditions:
Inborn genetic diseases. Identifiers: MedGen C0950123, MeSH D030342.

Submission:

Ambry Genetics
Classification: Uncertain significance for Inborn genetic diseases. Last evaluated: 2025-03-29. Review status: criteria provided, single submitter. Criteria: Ambry Variant Classification Scheme 2023. Collection method: clinical testing. Allele origin: germline.
Comment: The p.E1542V variant (also known as c.4625A>T), located in coding exon 1 of the SAMD9 gene, results from an A to T substitution at nucleotide position 4625. The glutamic acid at codon 1542 is replaced by valine, an amino acid with dissimilar properties. This amino acid position is conserved. In addition, this alteration is predicted to be tolerated by in silico analysis. Based on the available evidence, the clinical significance of this variant remains unclear.

NM_017654.4(SAMD9):c.4625A>T (p.Glu1542Val)

Gene: SAMD9 (sterile alpha motif domain containing 9; minus strand). Cytogenetic location: 7q21.2.
Variant type: single nucleotide variant.
Coding change: c.4625A>T on transcript NM_017654.4 (MANE Select); coding-DNA position 4625, A replaced by T.
Protein change: p.Glu1542Val; replaces glutamic acid 1542 with valine.
Molecular consequence: missense variant.
Genome position (GRCh38, 1-based): chr7:93,101,473, T>A on the plus strand (A>T on the coding strand, the complement: SAMD9 is on the minus strand). VCF-style: chr7-93101473-T-A. GRCh37 (hg19) VCF-style: chr7-92730786-T-A.
Other names: c.4625A>T, p.Glu1542Val (NM_001193307.2); short protein forms E1542V.
Identifiers: ClinVar variation 3949490 (VCV003949490.1).